The following is an entry in ClinVar:

ClinVar aggregate classification (germline): Pathogenic (1 of 4 stars; one submission).

Submission:

GeneDx
Classification: Pathogenic. Last evaluated: 2015-07-16. Review status: criteria provided, single submitter. Criteria: GeneDx Variant Classification (06012015). Collection method: clinical testing. Allele origin: germline. Affected: yes.
Comment: The c.2555delC variant was not observed in approximately 6,400 individuals ofEuropean and African American ancestry in the NHLBI Exome Sequencing Project, indicating it is not acommon benign variant in these populations. Although this deletion has not been previously reported to ourknowledge, other frameshift variants downstream of c.2555delC have been reported in association withKCNQ2-related disorders (Stenson et al., 2014). Therefore we consider c.2555delC to be a pathogenic variant.

NM_172107.4(KCNQ2):c.2555del (p.Pro852fs)

Gene: KCNQ2 (potassium voltage-gated channel subfamily Q member 2; minus strand). Cytogenetic location: 20q13.33.
Variant type: Deletion.
Coding change: c.2555del on transcript NM_172107.4 (MANE Select); coding-DNA position 2555, one base deleted (C; older notation c.2555delC).
Protein change: p.Pro852fs; shifts the reading frame from proline 852.
Molecular consequence: frameshift variant.
Genome position (GRCh38, 1-based): chr20:63,406,708, G deleted on the plus strand (C on the coding strand, the reverse complement: KCNQ2 is on the minus strand); the first of 5 consecutive G bases (chr20:63,406,708-63,406,712); deleting any one gives the same sequence. VCF-style (leftmost placement, unchanged base first): chr20-63406707-CG-C. GRCh37 (hg19) VCF-style: chr20-62038060-CG-C.
Other names: c.2471del, p.Pro824fs (NM_004518.6); c.2501del, p.Pro834fs (NM_172106.3); c.2462del, p.Pro821fs (NM_172108.5); short protein forms P824fs, P821fs, P852fs, P834fs.
Identifiers: ClinVar variation 418594 (VCV000418594.2), dbSNP rs1064793317, ClinGen allele CA16620959.
Genomic context (GRCh38, chr20:63,406,707, plus strand): 5'-CTTCCTGGGCCCGGCCCAGCCCACGTCACCAAAGGGACCCTCGCCGGTGGCCGAGCGTGG[CG>C]GGGGCCCGCACGGGGTACAGAGGTCGGAGTCGGTGTCTGACTCTCCCTCCGCAATGTAGG-3'